The following is an entry in ClinVar:

NM_020435.4(GJC2):c.409G>C (p.Glu137Gln)

Gene: GJC2 (gap junction protein gamma 2; plus strand). Cytogenetic location: 1q42.13.
Variant type: single nucleotide variant.
Coding change: c.409G>C on transcript NM_020435.4 (MANE Select); coding-DNA position 409, G replaced by C.
Protein change: p.Glu137Gln; replaces glutamic acid 137 with glutamine.
Molecular consequence: missense variant.
Genome position (GRCh38, 1-based): chr1:228,158,167, G>C. VCF-style: chr1-228158167-G-C. GRCh37 (hg19) VCF-style: chr1-228345868-G-C.
Other names: short protein forms E137Q.
Identifiers: ClinVar variation 1413225 (VCV001413225.8), dbSNP rs2124966310, ClinGen allele CA345097746.
Genomic context (GRCh38, chr1:228,158,167, plus strand): 5'-CGCCCGGGGCCACGCCGCGCGCCCCGAGCGCACCTGCCGCCCCCGCACGCCGGCTGGCCT[G>C]AGCCCGCCGACCTGGGCGAGGAGGAGCCCATGCTGGGCCTGGGCGAGGAGGAGGAGGAGG-3'
Protein context (NP_065168.2, residues 127-147): HLPPPHAGWP[Glu137Gln]PADLGEEEPM

ClinVar aggregate classification (germline): Uncertain significance (1 of 4 stars; one submission).

Conditions:
Spastic paraplegia. Identifiers: MedGen C0037772, HP:0001258.

Submission:

Labcorp Genetics (formerly Invitae), Labcorp
Classification: Uncertain significance for Spastic paraplegia. Last evaluated: 2021-04-05. Review status: criteria provided, single submitter. Criteria: Invitae Variant Classification Sherloc (09022015). Collection method: clinical testing. Allele origin: germline.
Comment: In summary, the available evidence is currently insufficient to determine the role of this variant in disease. Therefore, it has been classified as a Variant of Uncertain Significance. Algorithms developed to predict the effect of missense changes on protein structure and function (SIFT, PolyPhen-2, Align-GVGD) all suggest that this variant is likely to be tolerated, but these predictions have not been confirmed by published functional studies and their clinical significance is uncertain. This variant has not been reported in the literature in individuals with GJC2-related conditions. The frequency data for this variant in the population databases is considered unreliable, as metrics indicate insufficient coverage at this position in the ExAC database. This sequence change replaces glutamic acid with glutamine at codon 137 of the GJC2 protein (p.Glu137Gln). The glutamic acid residue is moderately conserved and there is a small physicochemical difference between glutamic acid and glutamine.